The following is an entry in ClinVar:

NM_003070.5(SMARCA2):c.2267C>T (p.Thr756Ile)

Gene: SMARCA2 (SWI/SNF related BAF chromatin remodeling complex subunit ATPase 2; plus strand). Cytogenetic location: 9p24.3.
Variant type: single nucleotide variant.
Coding change: c.2267C>T on transcript NM_003070.5 (MANE Select); coding-DNA position 2267, C replaced by T.
Protein change: p.Thr756Ile; replaces threonine 756 with isoleucine.
Molecular consequence: missense variant.
Genome position (GRCh38, 1-based): chr9:2,081,914, C>T. VCF-style: chr9-2081914-C-T. GRCh37 (hg19) VCF-style: chr9-2081914-C-T.
Other names: c.2267C>T, p.Thr756Ile (NM_001289396.2, NM_001289397.2, NM_139045.4); short protein forms T756I.
Identifiers: ClinVar variation 68760 (VCV000068760.4), dbSNP rs281875191, ClinGen allele CA219870.

ClinVar aggregate classification (germline): Conflicting classifications of pathogenicity. Review status: criteria provided, conflicting classifications (1 of 4 stars). 4 submissions from 3 submitters: Likely pathogenic (1); Uncertain significance (2). 1 of the submissions does not count toward it. Last evaluated 2021-06-10.

Conditions:
SMARCA2-related BAFopathy.
Blepharophimosis-impaired intellectual development syndrome. Identifiers: Orphanet 637013, MedGen C5443984, MONDO:0859139, OMIM 619293.
Nicolaides-Baraitser syndrome (NCBRS). Also called: SMARCA2-Related Nicolaides-Baraitser Syndrome; Intellectual disability-sparse hair-brachydactyly syndrome. Identifiers: Orphanet 3051, MedGen C1303073, MONDO:0011053, OMIM 601358.

Submissions (4):

Baylor Genetics
Classification: Uncertain significance for SMARCA2-related BAFopathy. Last evaluated: 2021-06-10. Review status: criteria provided, single submitter. Criteria: ACMG Guidelines, 2015. Collection method: clinical testing. Allele origin: de novo. Affected: yes.

Baylor Genetics
Classification: Uncertain significance for Nicolaides-Baraitser syndrome. Last evaluated: 2017-09-01. Review status: criteria provided, single submitter. Criteria: ACMG Guidelines, 2015. Collection method: clinical testing. Allele origin: de novo. Inheritance: Autosomal dominant inheritance. Affected: yes.

Juno Genomics, Hangzhou Juno Genomics, Inc
Classification: Likely pathogenic for Blepharophimosis-impaired intellectual development syndrome; Nicolaides-Baraitser syndrome. Review status: criteria provided, single submitter. Criteria: ACMG Guidelines, 2015. Collection method: clinical testing. Allele origin: germline. Affected: yes.
Comment: Absent from controls (or at extremely low frequency if recessive) in Genome Aggregation Database.;Multiple lines of computational evidence support a deleterious effect on the gene or gene product.;Missense variant in a gene that has a low rate of benign missense variation.;The prevalence of the variant in affected individuals is significantly increased compared to the prevalence in controls.;De novo (both maternity and paternity confirmed) in a patient with the disease and no family history.

UniProtKB/Swiss-Prot
No classification provided. Review status: no classification provided. Collection method: not provided. Allele origin: not provided. Not counted in ClinVar's aggregate classification.

Literature cited by the submitters: PubMed 25326635 (cited by Baylor Genetics).